The following is an entry in ClinVar:

NM_001382567.1(STIM1):c.101C>G (p.Thr34Ser)

Gene: STIM1 (stromal interaction molecule 1; plus strand). Cytogenetic location: 11p15.4.
Variant type: single nucleotide variant.
Coding change: c.101C>G on transcript NM_001382567.1 (MANE Select); coding-DNA position 101, C replaced by G.
Protein change: p.Thr34Ser; replaces threonine 34 with serine.
Molecular consequence: missense variant. On other transcripts: intron variant (10), 5 prime UTR variant (1), non-coding transcript variant (3).
Genome position (GRCh38, 1-based): chr11:3,856,371, C>G. VCF-style: chr11-3856371-C-G. GRCh37 (hg19) VCF-style: chr11-3877601-C-G.
Other names: c.-84+1635C>G (NM_001382574.1, NM_001382578.1, NM_001382575.1); c.-84+955C>G (NM_001382566.1, NM_001382579.1, NM_001382577.1 and 1 more transcripts); c.101C>G, p.Thr34Ser (NM_001277961.3, NM_001277962.2, NM_001382568.1 and 3 more transcripts); c.97C>G, p.Pro33Ala (NM_001382569.1); c.-137C>G (NM_001382571.1); c.-220+1635C>G (NM_001382580.1, NM_001382581.1); c.-84+1717C>G (NM_001382576.1); short protein forms T34S, P33A.
Identifiers: ClinVar variation 2951979 (VCV002951979.3), dbSNP rs771348972, ClinGen allele CA379196484.

ClinVar aggregate classification (germline): Uncertain significance (1 of 4 stars; one submission).

Conditions:
Stormorken syndrome (STRMK). Also called: THROMBOCYTOPATHY, ASPLENIA, AND MIOSIS. Identifiers: Orphanet 3204, MedGen C1861451, MONDO:0008497, OMIM 185070.
Combined immunodeficiency due to STIM1 deficiency. Also called: STIM1 DEFICIENCY; IMMUNODEFICIENCY 10. Identifiers: Orphanet 169090, Orphanet 317430, MedGen C2748557, MONDO:0013008, OMIM 612783.
Myopathy with tubular aggregates (TAM). Also called: Tubular Aggregate Myopathy. Identifiers: Orphanet 2593, MedGen C0410207, MONDO:0008051.

gnomAD v4.1: 1 of 1,614,204 alleles (0.000062%); highest among the groups gnomAD compares: East Asian, 0.0022%; no homozygotes.

Submission:

Labcorp Genetics (formerly Invitae), Labcorp
Classification: Uncertain significance for Myopathy with tubular aggregates; Combined immunodeficiency due to STIM1 deficiency; Stormorken syndrome. Last evaluated: 2023-09-17. Review status: criteria provided, single submitter. Criteria: Invitae Variant Classification Sherloc (09022015). Collection method: clinical testing. Allele origin: germline.
Comment: This variant has not been reported in the literature in individuals affected with STIM1-related conditions. In summary, the available evidence is currently insufficient to determine the role of this variant in disease. Therefore, it has been classified as a Variant of Uncertain Significance. Advanced modeling of protein sequence and biophysical properties (such as structural, functional, and spatial information, amino acid conservation, physicochemical variation, residue mobility, and thermodynamic stability) has been performed at Invitae for this missense variant, however the output from this modeling did not meet the statistical confidence thresholds required to predict the impact of this variant on STIM1 protein function. This variant is not present in population databases (gnomAD no frequency). This sequence change replaces threonine, which is neutral and polar, with serine, which is neutral and polar, at codon 34 of the STIM1 protein (p.Thr34Ser).